The following is an entry in ClinVar:

ClinVar aggregate classification (germline): Uncertain significance. Review status: criteria provided, multiple submitters, no conflicts (2 of 4 stars). 5 submissions from 5 submitters: Uncertain significance (5). Last evaluated 2024-09-04.

Conditions:
Cardiac arrhythmia, ankyrin-B-related. Also called: ANKYRIN-B SYNDROME. Identifiers: Orphanet 101016, Orphanet 768, MedGen C1970119, MONDO:0010958, OMIM 600919.
Cardiovascular phenotype. Identifiers: MedGen CN230736.
Long QT syndrome (LQTS). Identifiers: MedGen C0023976, MeSH D008133, MONDO:0002442. Disease mechanism: loss of function. Inheritance: Various modes of inheritance.

Allele frequency attached by ClinVar (database versions not stated): TOPMed 0.00002; ExAC 0.00003; gnomAD exomes 0.00002; gnomAD 0.00003.
gnomAD v4.1: 36 of 1,613,864 alleles (0.0022%); highest among the groups gnomAD compares: African/African-American, 0.0027%; no homozygotes.

Submissions (5):

Ambry Genetics
Classification: Uncertain significance for Cardiovascular phenotype. Last evaluated: 2024-09-04. Review status: criteria provided, single submitter. Criteria: Ambry Variant Classification Scheme 2023. Collection method: clinical testing. Allele origin: germline.
Comment: The p.R1191Q variant (also known as c.3572G>A), located in coding exon 30 of the ANK2 gene, results from a G to A substitution at nucleotide position 3572. The arginine at codon 1191 is replaced by glutamine, an amino acid with highly similar properties. This variant was reported in a large pediatric neurodevelopmental delay cohort; however, clinical details were limited (Wang T et al. Nat Commun, 2020 10;11:4932). This amino acid position is well conserved in available vertebrate species. In addition, the in silico prediction for this alteration is inconclusive. According to data from gnomAD, the frequency for this variant is above the maximum credible frequency for a cardiac disease-causing variant in this gene based on internally established thresholds (Karczewski et al. Nature. 2020 May;581(7809):434-443; Whiffin et al. Genet Med. 2017 10;19:1151-1158). Based on the supporting evidence, the association of this alteration with ANK2-related neurodevelopmental disorder is unknown; however, the association with ANK2-related arrhythmia is unlikely.

Labcorp Genetics (formerly Invitae), Labcorp
Classification: Uncertain significance for Long QT syndrome. Last evaluated: 2023-12-28. Review status: criteria provided, single submitter. Criteria: Invitae Variant Classification Sherloc (09022015). Collection method: clinical testing. Allele origin: germline.
Comment: This sequence change replaces arginine, which is basic and polar, with glutamine, which is neutral and polar, at codon 1191 of the ANK2 protein (p.Arg1191Gln). This variant is present in population databases (rs780110299, gnomAD 0.004%). This variant has not been reported in the literature in individuals affected with ANK2-related conditions. ClinVar contains an entry for this variant (Variation ID: 190567). Advanced modeling of protein sequence and biophysical properties (such as structural, functional, and spatial information, amino acid conservation, physicochemical variation, residue mobility, and thermodynamic stability) performed at Invitae indicates that this missense variant is not expected to disrupt ANK2 protein function with a negative predictive value of 80%. In summary, the available evidence is currently insufficient to determine the role of this variant in disease. Therefore, it has been classified as a Variant of Uncertain Significance.

Fulgent Genetics
Classification: Uncertain significance for Cardiac arrhythmia, ankyrin-B-related. Last evaluated: 2021-11-01. Review status: criteria provided, single submitter. Criteria: ACMG Guidelines, 2015. Collection method: clinical testing. Allele origin: unknown.

Women's Health and Genetics/Laboratory Corporation of America, LabCorp
Classification: Uncertain significance. Last evaluated: 2018-01-10. Review status: criteria provided, single submitter. Criteria: LabCorp Variant Classification Summary - May 2015. Collection method: clinical testing. Allele origin: germline.
Comment: Variant summary: The ANK2 c.3572G>A (p.Arg1191Gln) variant involves the alteration of a conserved nucleotide located in the ZU5 domain (IPR000906). 3/4 in silico tools predict a damaging outcome for this variant. This variant was found in 7/275606 control chromosomes in gnomAD at a frequency of 0.0000254, which is approximately 3 times the estimated maximal expected allele frequency of a pathogenic ANK2 variant (0.00001), suggesting this variant is likely a benign polymorphism. Multiple clinical diagnostic laboratories/reputable databases classified this variant as uncertain significance. The variant of interest has not, to our knowledge, been reported in affected individuals via publications nor evaluated for functional impact by in vivo/vitro studies. Taken together, this variant is classified as VUS - possibly benign variant until addiitonal evidence becomes available.

GeneDx
Classification: Uncertain significance. Last evaluated: 2013-08-09. Review status: criteria provided, single submitter. Criteria: GeneDx Variant Classification (06012015). Collection method: clinical testing. Allele origin: germline. Affected: yes.
Comment: p.Arg1191Gln (CGG>CAG): c.3572 G>A in exon 30 of the ANK2 gene (NM_001148.4). The Arg1191Gln variant in the ANK2 gene has not been reported as a disease-causing mutation or as a benign polymorphism to our knowledge. Arg1191Gln results in a semi-conservative amino acid substitution of positively charged Arginine with a neutral, polar Glutamine at a position that is conserved across species. In silico analysis predicts Arg1191Gln is damaging to the protein structure/function. The Arg1191Gln variant was not observed in approximately 6,500 individuals of European and African American ancestry in the NHLBI Exome Sequencing Project, indicating it is not a common benign variant in these populations. However, no mutations in nearby residues have been reported in association with LQTS. With the clinical and molecular information available at this time, we cannot definitively determine if Arg1191Gln is a disease-causing mutation or a rare benign variant. The variant is found in LQT panel(s).

Literature cited by the submitters: PubMed 33004838 (cited by Ambry Genetics).

NM_001148.6(ANK2):c.3572G>A (p.Arg1191Gln)

Gene: ANK2 (ankyrin 2; plus strand). Cytogenetic location: 4q26.
Variant type: single nucleotide variant.
Coding change: c.3572G>A on transcript NM_001148.6 (MANE Select); coding-DNA position 3572, G replaced by A.
Protein change: p.Arg1191Gln; replaces arginine 1191 with glutamine.
Molecular consequence: missense variant. On other transcripts: 5 prime UTR variant (2).
Genome position (GRCh38, 1-based): chr4:113,336,038, G>A. VCF-style: chr4-113336038-G-A. GRCh37 (hg19) VCF-style: chr4-114257194-G-A.
Other names: p.R1191Q:CGG>CAG; c.3545G>A, p.Arg1182Gln (NM_001127493.3); c.3584G>A, p.Arg1195Gln (NM_001354225.2); c.3473G>A, p.Arg1158Gln (NM_001354228.2, NM_001354258.2); c.3551G>A, p.Arg1184Gln (NM_001354230.2); c.3614G>A, p.Arg1205Gln (NM_001354231.2, NM_001354242.2); c.3608G>A, p.Arg1203Gln (NM_001354232.2); c.3569G>A, p.Arg1190Gln (NM_001354235.2, NM_001354246.2, NM_001354265.2); and 32 more; short protein forms R1182Q, R1191Q, R1091Q, R1104Q, R1129Q, R1158Q, R1203Q, R1205Q.
Identifiers: ClinVar variation 190567 (VCV000190567.14), dbSNP rs780110299, ClinGen allele CA300893.